The following is an entry in ClinVar:

ClinVar aggregate classification (germline): Benign/Likely benign. Review status: criteria provided, multiple submitters, no conflicts (2 of 4 stars). 8 submissions from 8 submitters: Benign (1); Likely benign (7). Last evaluated 2025-12-21.

Conditions:
Von Hippel-Lindau syndrome (VHLS). Also called: VHL syndrome; von Hippel–Lindau syndrome; Von Hippel-Lindau. Identifiers: Orphanet 892, MedGen C0019562, MONDO:0008667, OMIM 193300. Disease mechanism: loss of function.
Chuvash polycythemia. Also called: POLYCYTHEMIA, VHL-DEPENDENT. Identifiers: Orphanet 238557, MedGen C1837915, MONDO:0009892, OMIM 263400.
Hereditary cancer-predisposing syndrome. Also called: Tumor predisposition; Hereditary Cancer Syndrome; Neoplastic Syndromes, Hereditary; Hereditary neoplastic syndrome. Identifiers: Orphanet 140162, MedGen C0027672, MeSH D009386, MONDO:0015356.

Allele frequency attached by ClinVar (database versions not stated): gnomAD 0.00001; ExAC 0.00002; gnomAD exomes 0.00002; TOPMed 0.00002.

Submissions (8):

Labcorp Genetics (formerly Invitae), Labcorp
Classification: Likely benign for Von Hippel-Lindau syndrome; Chuvash polycythemia. Last evaluated: 2025-12-21. Review status: criteria provided, single submitter. Criteria: Invitae Variant Classification Sherloc (09022015). Collection method: clinical testing. Allele origin: germline.

Myriad Genetics, Inc.
Classification: Benign for Von Hippel-Lindau syndrome. Last evaluated: 2025-06-12. Review status: criteria provided, single submitter. Criteria: Myriad Autosomal Dominant, Autosomal Recessive and X-Linked Classification Criteria (2023). Collection method: clinical testing. Allele origin: unknown.
Comment: This variant is considered benign. This variant is a silent/synonymous amino acid change and it is not expected to impact splicing.

All of Us Research Program, National Institutes of Health
Classification: Likely benign for Von Hippel-Lindau syndrome. Last evaluated: 2023-12-01. Review status: criteria provided, single submitter. Criteria: ACMG Guidelines, 2015. Collection method: clinical testing. Allele origin: germline. Inheritance: Autosomal dominant inheritance. Observed: 2 variant alleles, 2 heterozygotes.
Comment: This study involves interpretation of variants in research participants for the purpose of population health screening. Participant phenotype was not available at the time of variant classification. Additional details can be found in publication PMID: 35346344, PMCID: PMC8962531

Color Diagnostics, LLC DBA Color Health
Classification: Likely benign for Von Hippel-Lindau syndrome. Last evaluated: 2022-05-02. Review status: criteria provided, single submitter. Criteria: ACMG Guidelines, 2015. Collection method: clinical testing. Allele origin: germline.

Sema4
Classification: Likely benign for Hereditary cancer-predisposing syndrome. Last evaluated: 2020-11-18. Review status: criteria provided, single submitter. Criteria: Sema4 Curation Guidelines. Collection method: curation. Allele origin: germline.

Ambry Genetics
Classification: Likely benign for Hereditary cancer-predisposing syndrome. Last evaluated: 2020-06-18. Review status: criteria provided, single submitter. Criteria: Ambry Variant Classification Scheme 2023. Collection method: clinical testing. Allele origin: germline.

GeneDx
Classification: Likely benign. Last evaluated: 2020-02-07. Review status: criteria provided, single submitter. Criteria: GeneDx Variant Classification Process June 2021. Collection method: clinical testing. Allele origin: germline. Affected: yes.
Comment: This variant is associated with the following publications: (PMID: 20054297, 31159747)

GeneKor MSA
Classification: Likely benign for Hereditary cancer-predisposing syndrome. Last evaluated: 2018-08-01. Review status: criteria provided, single submitter. Criteria: ACMG Guidelines, 2015. Collection method: clinical testing. Allele origin: germline. Affected: no.

Literature cited by the submitters: PubMed 20054297 (cited by Ambry Genetics); PubMed 25885250 (cited by Ambry Genetics); PubMed 31159747 (cited by Ambry Genetics).

NM_000551.4(VHL):c.387G>T (p.Leu129=)

Genes: VHL (von Hippel-Lindau tumor suppressor; plus strand), LOC107303340 (3p25 von Hippel-Lindau tumor suppressor, E3 ubiquitin protein ligase Alu-mediated recombination region; plus strand). Cytogenetic location: 3p25.3.
Variant type: single nucleotide variant.
Coding change: c.387G>T on transcript NM_000551.4 (MANE Select); coding-DNA position 387, G replaced by T.
Protein change: p.Leu129=; no amino-acid change (leucine 129 retained).
Molecular consequence: synonymous variant. On other transcripts: intron variant (2).
Genome position (GRCh38, 1-based): chr3:10,146,560, G>T. VCF-style: chr3-10146560-G-T. GRCh37 (hg19) VCF-style: chr3-10188244-G-T.
Other names: c.*18-3227G>T (NM_001354723.2); c.341-3227G>T (NM_198156.3).
Identifiers: ClinVar variation 219470 (VCV000219470.19), dbSNP rs778846471, ClinGen allele CA040764.
Genomic context (GRCh38, chr3:10,146,560, plus strand): 5'-GCTTGTCCCGATAGGTCACCTTTGGCTCTTCAGAGATGCAGGGACACACGATGGGCTTCT[G>T]GTTAACCAAACTGAATTATTTGTGCCATCTCTCAATGTTGACGGACAGCCTATTTTTGCC-3'
Protein context (NP_000542.1, residues 119-139): FRDAGTHDGL[Leu129=]VNQTELFVPS